The following is an entry in ClinVar:

ClinVar aggregate classification (germline): Benign. Review status: criteria provided, multiple submitters, no conflicts (2 of 4 stars). 3 submissions from 3 submitters: Benign (3). Last evaluated 2024-07-15.

Allele frequency attached by ClinVar (database versions not stated): 1000 Genomes Project 30x 0.22814; 1000 Genomes Project 0.22903; TOPMed 0.23789; ESP Exome Variant Server 0.25756; gnomAD exomes 0.29858.
gnomAD v4.1: 343,217 of 1,175,862 alleles (29%); highest among the groups gnomAD compares: South Asian, 34%; 51,687 homozygotes.

Submissions (3):

Unidad de Genómica Garrahan, Hospital de Pediatría Garrahan
Classification: Benign. Last evaluated: 2024-07-15. Review status: criteria provided, single submitter. Criteria: ACMG Guidelines, 2015. Collection method: clinical testing. Allele origin: germline. Affected: no. Observed: 37 variant alleles.
Comment: This variant is classified as Benign based on local population frequency. This variant was detected in 40% of patients studied in a panel designed for Epileptic and Developmental Encephalopathy and Progressive Myoclonus Epilepsy. Number of patients: 37. Only high quality variants are reported.

GeneDx
Classification: Benign. Last evaluated: 2020-11-24. Review status: criteria provided, single submitter. Criteria: GeneDx Variant Classification Process June 2021. Collection method: clinical testing. Allele origin: germline. Affected: yes.

Breakthrough Genomics
Classification: Benign. Review status: criteria provided, single submitter. Criteria: ACMG Guidelines, 2015. Collection method: not provided. Allele origin: germline. Inheritance: Autosomal recessive inheritance. Affected: yes.

NM_015192.4(PLCB1):c.3278+54T>C

Gene: PLCB1 (phospholipase C beta 1; plus strand). Cytogenetic location: 20p12.3.
Variant type: single nucleotide variant.
Coding change: c.3278+54T>C on transcript NM_015192.4 (MANE Select); 54 bases into the intron after coding-DNA position 3278, T replaced by C.
Molecular consequence: intron variant.
Genome position (GRCh38, 1-based): chr20:8,788,776, T>C. VCF-style: chr20-8788776-T-C. GRCh37 (hg19) VCF-style: chr20-8769423-T-C.
Other names: c.3278+54T>C (NM_182734.3).
Identifiers: ClinVar variation 1264194 (VCV001264194.5), dbSNP rs2076411, ClinGen allele CA14783665.